The following is an entry in ClinVar:

ClinVar aggregate classification (germline): Uncertain significance (1 of 4 stars; one submission).

gnomAD v4.1: 1 of 1,613,502 alleles (0.000062%); no homozygotes.

Submission:

Labcorp Genetics (formerly Invitae), Labcorp
Classification: Uncertain significance. Last evaluated: 2024-08-01. Review status: criteria provided, single submitter. Criteria: Invitae Variant Classification Sherloc (09022015). Collection method: clinical testing. Allele origin: germline.
Comment: This sequence change replaces arginine, which is basic and polar, with glycine, which is neutral and non-polar, at codon 1630 of the POLE protein (p.Arg1630Gly). This variant is not present in population databases (gnomAD no frequency). This variant has not been reported in the literature in individuals affected with POLE-related conditions. ClinVar contains an entry for this variant (Variation ID: 1006846). Advanced modeling of protein sequence and biophysical properties (such as structural, functional, and spatial information, amino acid conservation, physicochemical variation, residue mobility, and thermodynamic stability) performed at Invitae indicates that this missense variant is not expected to disrupt POLE protein function with a negative predictive value of 80%. In summary, the available evidence is currently insufficient to determine the role of this variant in disease. Therefore, it has been classified as a Variant of Uncertain Significance.

NM_006231.4(POLE):c.4888C>G (p.Arg1630Gly)

Gene: POLE (DNA polymerase epsilon, catalytic subunit; minus strand). Cytogenetic location: 12q24.33.
Variant type: single nucleotide variant.
Coding change: c.4888C>G on transcript NM_006231.4 (MANE Select); coding-DNA position 4888, C replaced by G.
Protein change: p.Arg1630Gly; replaces arginine 1630 with glycine.
Molecular consequence: missense variant.
Genome position (GRCh38, 1-based): chr12:132,642,570, G>C on the plus strand (C>G on the coding strand, the complement: POLE is on the minus strand). VCF-style: chr12-132642570-G-C. GRCh37 (hg19) VCF-style: chr12-133219156-G-C.
Other names: short protein forms R1630G.
Identifiers: ClinVar variation 1006846 (VCV001006846.8), dbSNP rs148076304, ClinGen allele CA387378013.